The following is an entry in ClinVar:

NM_000642.3(AGL):c.4448del (p.Asn1483fs)

Gene: AGL (amylo-alpha-1,6-glucosidase and 4-alpha-glucanotransferase; plus strand). Cytogenetic location: 1p21.2.
Variant type: Deletion.
Coding change: c.4448del on transcript NM_000642.3 (MANE Select); coding-DNA position 4448, one base deleted (A; older notation c.4448delA).
Protein change: p.Asn1483fs; shifts the reading frame from asparagine 1483.
Molecular consequence: frameshift variant.
Genome position (GRCh38, 1-based): chr1:99,916,698, A deleted; the last of 5 consecutive A bases (chr1:99,916,694-99,916,698); deleting any one gives the same sequence. VCF-style (leftmost placement, unchanged base first): chr1-99916693-TA-T. GRCh37 (hg19) VCF-style: chr1-100382249-TA-T.
Other names: c.4448delA (NM_000642.2); c.4448delA, p.Asn1483Metfs (NM_000028.3, NM_000643.3, NM_000644.3 and 1 more transcripts); c.4400delA, p.Asn1467Metfs (NM_000646.3); c.4427delA, p.Asn1476Metfs (NM_001425326.1); c.4247delA, p.Asn1416Metfs (NM_001425327.1); c.4244delA, p.Asn1415Metfs (NM_001425328.1); c.4109delA, p.Asn1370Metfs (NM_001425329.1); c.4070delA, p.Asn1357Metfs (NM_001425332.1); short protein forms N1467fs, N1483fs.
Identifiers: ClinVar variation 1322900 (VCV001322900.5), dbSNP rs2100876453, ClinGen allele CA2573051636.
Genomic context (GRCh38, chr1:99,916,693, plus strand): 5'-AAAATTATATTTTTCCAGATTGATGGGCCCGGAGACTACTGCAAAGACTATAGTTTTGGT[TA>T]AAAATGTTCTTTCCCGACATTATGTTCATCTTGAGAGGTAAGTCATCAGGAGCATGTAAT-3'

ClinVar aggregate classification (germline): Pathogenic/Likely pathogenic. Review status: criteria provided, multiple submitters, no conflicts (2 of 4 stars). 2 submissions from 2 submitters: Pathogenic (1); Likely pathogenic (1). Last evaluated 2025-05-12.

Conditions:
Glycogen storage disease type III (GSD3). Also called: FORBES DISEASE; Cori disease. Identifiers: Orphanet 366, MedGen C0017922, MONDO:0009291, OMIM 232400.

Submissions (2):

Natera, Inc.
Classification: Likely pathogenic for Glycogen storage disease type III. Last evaluated: 2025-05-12. Review status: criteria provided, single submitter. Criteria: Natera Variant Classification Schema (03/2026). Collection method: clinical testing. Allele origin: germline.
Comment: The c.4448delA variant in AGL is a frameshift variant predicted to shift the reading frame beginning at codon 1483 and leads to a stop codon 21 codons downstream. This variant is expected to result in nonsense mediated decay, truncation, or a dysfunctional protein product. This variant is rare in the general population with a frequency below the threshold expected for the associated phenotype(s). Given the available evidence, this variant is classified as Likely Pathogenic.

Revvity Omics, Revvity
Classification: Pathogenic for Glycogen storage disease type III. Last evaluated: 2019-07-25. Review status: criteria provided, single submitter. Criteria: ACMG Guidelines, 2015. Collection method: clinical testing. Allele origin: germline.